The following is an entry in ClinVar:

NM_003742.4(ABCB11):c.1444G>A (p.Asp482Asn)

Gene: ABCB11 (ATP binding cassette subfamily B member 11; minus strand). Cytogenetic location: 2q31.1.
Variant type: single nucleotide variant.
Coding change: c.1444G>A on transcript NM_003742.4 (MANE Select); coding-DNA position 1444, G replaced by A.
Protein change: p.Asp482Asn; replaces aspartic acid 482 with asparagine.
Molecular consequence: missense variant.
Genome position (GRCh38, 1-based): chr2:168,972,041, C>T on the plus strand (G>A on the coding strand, the complement: ABCB11 is on the minus strand). VCF-style: chr2-168972041-C-T. GRCh37 (hg19) VCF-style: chr2-169828551-C-T.
Other names: c.1444G>A, p.Asp482Asn (LRG_1199t1); c.1444G>A (NM_003742.2); short protein forms D482N.
Identifiers: ClinVar variation 593287 (VCV000593287.10), dbSNP rs1558897179, ClinGen allele CA349116165.

ClinVar aggregate classification (germline): Conflicting classifications of pathogenicity. Review status: criteria provided, conflicting classifications (1 of 4 stars). 3 submissions from 3 submitters: Likely pathogenic (1); Uncertain significance (2). Last evaluated 2026-05-22.

Conditions:
ABCB11-related disorder. Also called: ABCB11-related condition.

Submissions (3):

PreventionGenetics, part of Exact Sciences
Classification: Uncertain significance for ABCB11-related condition. Last evaluated: 2026-05-22. Review status: criteria provided, single submitter. Criteria: ACMG Guidelines, 2015. Collection method: clinical testing. Allele origin: germline.
Comment: The ABCB11 c.1444G>A variant is predicted to result in the amino acid substitution p.Asp482Asn. To our knowledge, this variant has not been reported in the literature or in a large population database (gnomAD), indicating this variant is rare. An alternate variant at the same amino acid position (c.1445A>G [p.Asp482Gly]) has been reported in individuals with cholestatic liver disease (Strautnieks et al. 1998. PubMed ID: 9806540; Strautnieks et al. 2008. PubMed ID: 18395098; Dröge et al. 2017. PubMed ID: 28733223) and intrahepatic cholestasis of pregnancy (Dixon et al. 2008. PubMed ID: 18987030; Anzivino et al. 2012. PubMed ID: 23022423). This variant is predicted to alter splicing based on available splicing prediction programs (SpliceAI, Jaganathan et al. 2019. PubMed ID: 30661751). However, the use of computer prediction programs is not equivalent to functional evidence. Although we suspect this variant may be pathogenic, at this time, the clinical significance of this variant is uncertain due to the absence of conclusive functional and genetic evidence.

Labcorp Genetics (formerly Invitae), Labcorp
Classification: Likely pathogenic. Last evaluated: 2022-07-16. Review status: criteria provided, single submitter. Criteria: Invitae Variant Classification Sherloc (09022015). Collection method: clinical testing. Allele origin: germline.
Comment: In summary, the currently available evidence indicates that the variant is pathogenic, but additional data are needed to prove that conclusively. Therefore, this variant has been classified as Likely Pathogenic. This variant disrupts the p.Asp482 amino acid residue in ABCB11. Other variant(s) that disrupt this residue have been determined to be pathogenic (PMID: 9806540, 18395098, 26019043). This suggests that this residue is clinically significant, and that variants that disrupt this residue are likely to be disease-causing. Algorithms developed to predict the effect of sequence changes on RNA splicing suggest that this variant may create or strengthen a splice site. Advanced modeling of protein sequence and biophysical properties (such as structural, functional, and spatial information, amino acid conservation, physicochemical variation, residue mobility, and thermodynamic stability) performed at Invitae indicates that this missense variant is expected to disrupt ABCB11 protein function. ClinVar contains an entry for this variant (Variation ID: 593287). This variant has not been reported in the literature in individuals affected with ABCB11-related conditions. This variant is not present in population databases (gnomAD no frequency). This sequence change replaces aspartic acid, which is acidic and polar, with asparagine, which is neutral and polar, at codon 482 of the ABCB11 protein (p.Asp482Asn).

Eurofins Ntd Llc (ga)
Classification: Uncertain significance. Last evaluated: 2017-07-19. Review status: criteria provided, single submitter. Criteria: EGL Classification Definitions 2015. Collection method: clinical testing. Allele origin: germline. Observed: 1 variant allele, 1 heterozygote.

Literature cited by the submitters: PubMed 9806540 (cited by Labcorp Genetics (formerly Invitae), Labcorp); PubMed 18395098 (cited by Labcorp Genetics (formerly Invitae), Labcorp); PubMed 26019043 (cited by Labcorp Genetics (formerly Invitae), Labcorp).